The following is an entry in ClinVar:

NM_000540.3(RYR1):c.4135A>G (p.Thr1379Ala)

Gene: RYR1 (ryanodine receptor 1; plus strand). Cytogenetic location: 19q13.2.
Variant type: single nucleotide variant.
Coding change: c.4135A>G on transcript NM_000540.3 (MANE Select); coding-DNA position 4135, A replaced by G.
Protein change: p.Thr1379Ala; replaces threonine 1379 with alanine.
Molecular consequence: missense variant.
Genome position (GRCh38, 1-based): chr19:38,473,746, A>G. VCF-style: chr19-38473746-A-G. GRCh37 (hg19) VCF-style: chr19-38964386-A-G.
Other names: c.4135A>G, p.Thr1379Ala (NM_001042723.2); short protein forms T1379A.
Identifiers: ClinVar variation 4759112 (VCV004759112.1).
Genomic context (GRCh38, chr19:38,473,746, plus strand): 5'-GGCACCCCGCAGGCGGGGGGAGAGGCGCAGCCCGCCAGGGCGGAGAATGAGAAGGATGCC[A>G]CCACCGAGAAGAACAAGAAGAGAGGGTGAGTCGAGGGGGGCCCAGAGTGGGGATTGGGGG-3'
Protein context (NP_000531.2, residues 1369-1389): PARAENEKDA[Thr1379Ala]TEKNKKRGFL

ClinVar aggregate classification (germline): Uncertain significance (1 of 4 stars; one submission).

Conditions:
Malignant hyperthermia, susceptibility to, 1 (MHS1). Also called: RYR1-Related Malignant Hyperthermia Susceptibility; Malignant hyperthermia suceptibility 1; Anesthesia related hyperthermia; Malignant hyperpyrexia; Fulminating hyperpyrexia; Pharmacogenic myopathy. Identifiers: Orphanet 423, MedGen C2930980, MONDO:0007783, OMIM 145600.

Submission:

Color Diagnostics, LLC DBA Color Health
Classification: Uncertain significance for Malignant hyperthermia, susceptibility to, 1. Last evaluated: 2025-08-04. Review status: criteria provided, single submitter. Criteria: ACMG Guidelines, 2015. Collection method: clinical testing. Allele origin: germline.
Comment: This missense variant replaces threonine with alanine at codon 1379 of the RYR1 protein. Computational prediction suggests that this variant may not impact protein structure and function. To our knowledge, functional studies have not been reported for this variant. This variant has not been reported in individuals affected with RYR1-related disorders in the literature. This variant has not been identified in the general population by the Genome Aggregation Database (gnomAD). The available evidence is insufficient to determine the role of this variant in disease conclusively. Therefore, this variant is classified as a Variant of Uncertain Significance.